The following is an entry in ClinVar:

ClinVar aggregate classification (germline): Likely benign (0 of 4 stars; one submission).

Conditions:
MYH3-related disorder. Also called: MYH3-Related Disorders; MYH3-related condition. Identifiers: MedGen CN239329.

Submission:

PreventionGenetics, part of Exact Sciences
Classification: Likely benign for MYH3-related condition. Last evaluated: 2019-11-18. Review status: no assertion criteria provided. Collection method: clinical testing. Allele origin: germline.
Comment: This variant is classified as likely benign based on ACMG/AMP sequence variant interpretation guidelines (Richards et al. 2015 PMID: 25741868, with internal and published modifications).

NM_002470.4(MYH3):c.4357-8T>G

Genes: MYH3 (myosin heavy chain 3; minus strand), LOC130060295 (ATAC-STARR-seq lymphoblastoid active region 11731; plus strand). Cytogenetic location: 17p13.1.
Variant type: single nucleotide variant.
Coding change: c.4357-8T>G on transcript NM_002470.4 (MANE Select); 8 bases into the intron before coding-DNA position 4357, T replaced by G.
Molecular consequence: intron variant.
Genome position (GRCh38, 1-based): chr17:10,634,190, A>C on the plus strand (T>G on the coding strand, the complement: MYH3 is on the minus strand). VCF-style: chr17-10634190-A-C. GRCh37 (hg19) VCF-style: chr17-10537507-A-C.
Identifiers: ClinVar variation 3035051 (VCV003035051.2), dbSNP rs2508578575, ClinGen allele CA2740095272.